The following is an entry in ClinVar:

NM_001267550.2(TTN):c.44229G>A (p.Gly14743=)

Gene: TTN (titin; minus strand). Cytogenetic location: 2q31.2.
Variant type: single nucleotide variant.
Coding change: c.44229G>A on transcript NM_001267550.2 (MANE Select); coding-DNA position 44229, G replaced by A.
Protein change: p.Gly14743=; no amino-acid change (glycine 14743 retained).
Molecular consequence: synonymous variant.
Genome position (GRCh38, 1-based): chr2:178,630,293, C>T on the plus strand (G>A on the coding strand, the complement: TTN is on the minus strand). VCF-style: chr2-178630293-C-T. GRCh37 (hg19) VCF-style: chr2-179495020-C-T.
Other names: c.39306G>A, p.Gly13102= (NM_001256850.1); c.17034G>A, p.Gly5678= (NM_003319.4); c.36525G>A, p.Gly12175= (NM_133378.4); c.17409G>A, p.Gly5803= (NM_133432.3); c.17610G>A, p.Gly5870= (NM_133437.4).
Identifiers: ClinVar variation 700027 (VCV000700027.17), dbSNP rs376445406, ClinGen allele CA1995713.

ClinVar aggregate classification (germline): Conflicting classifications of pathogenicity. Review status: criteria provided, conflicting classifications (1 of 4 stars). 9 submissions from 5 submitters: Uncertain significance (3); Benign (2); Likely benign (4). Last evaluated 2025-11-06.

Conditions:
Cardiovascular phenotype. Identifiers: MedGen CN230736.
Autosomal recessive limb-girdle muscular dystrophy type 2J (LGMDR10). Also called: MUSCULAR DYSTROPHY, LIMB-GIRDLE, AUTOSOMAL RECESSIVE 10; Limb-girdle muscular dystrophy, type 2J. Identifiers: Orphanet 140922, MedGen C1837342, MONDO:0012127, OMIM 608807.
Dilated cardiomyopathy 1G (CMD1G). Identifiers: Orphanet 154, MedGen C1858763, MONDO:0011400, OMIM 604145.
Myopathy, myofibrillar, 9, with early respiratory failure (MFM9). Also called: Myopathy, distal, with early respiratory failure, autosomal dominant; EDSTROM MYOPATHY; Hereditary myopathy with early respiratory failure; MYOPATHY, PROXIMAL, WITH EARLY RESPIRATORY MUSCLE INVOLVEMENT. Identifiers: Orphanet 178464, Orphanet 34521, MedGen C1863599, MONDO:0011362, OMIM 603689.
Early-onset myopathy with fatal cardiomyopathy (CMYO5). Also called: Salih Myopathy; CONGENITAL MYOPATHY 5 WITH CARDIOMYOPATHY. Identifiers: Orphanet 289377, MedGen C2673677, MONDO:0012714, OMIM 611705. Disease mechanism: loss of function.
Tibial muscular dystrophy (TMD). Also called: Tibial muscular dystrophy, tardive; Udd Distal Myopathy – Tibial Muscular Dystrophy; UDD MYOPATHY. Identifiers: Orphanet 609, MedGen C1838244, MONDO:0010870, OMIM 600334.

Allele frequency attached by ClinVar (database versions not stated): gnomAD exomes 0.00005; TOPMed 0.00006; ExAC 0.00007.
gnomAD v4.1: 26 of 1,612,998 alleles (0.0016%); highest among the groups gnomAD compares: East Asian, 0.031%; no homozygotes.

Submissions (9):

Labcorp Genetics (formerly Invitae), Labcorp
Classification: Likely benign for Dilated cardiomyopathy 1G; Autosomal recessive limb-girdle muscular dystrophy type 2J. Last evaluated: 2025-11-06. Review status: criteria provided, single submitter. Criteria: Invitae Variant Classification Sherloc (09022015). Collection method: clinical testing. Allele origin: germline.

Blueprint Genetics
Classification: Likely benign. Last evaluated: 2023-12-29. Review status: criteria provided, single submitter. Criteria: ACMG Guidelines, 2015. Collection method: clinical testing. Allele origin: germline.

Ambry Genetics
Classification: Likely benign for Cardiovascular phenotype. Last evaluated: 2019-10-31. Review status: criteria provided, single submitter. Criteria: Ambry Variant Classification Scheme 2023. Collection method: clinical testing. Allele origin: germline.

GeneDx
Classification: Likely benign. Last evaluated: 2018-12-10. Review status: criteria provided, single submitter. Criteria: GeneDx Variant Classification Process June 2021. Collection method: clinical testing. Allele origin: germline. Affected: yes.

Illumina Laboratory Services, Illumina
Classification: Benign for Tibial muscular dystrophy. Last evaluated: 2018-01-13. Review status: criteria provided, single submitter. Criteria: ICSL Variant Classification Criteria 13 December 2019. Collection method: clinical testing. Allele origin: germline.
Comment: This variant was observed in the ICSL laboratory as part of a predisposition screen in an ostensibly healthy population. It had not been previously curated by ICSL or reported in the Human Gene Mutation Database (HGMD: prior to June 1st, 2018), and was therefore a candidate for classification through an automated scoring system. Utilizing variant allele frequency, disease prevalence and penetrance estimates, and inheritance mode, an automated score was calculated to assess if this variant is too frequent to cause the disease. Based on the score and internal cut-off values, a variant classified as benign is not then subjected to further curation. The score for this variant resulted in a classification of benign for this disease.

Illumina Laboratory Services, Illumina
Classification: Uncertain significance for Autosomal recessive limb-girdle muscular dystrophy type 2J. Last evaluated: 2018-01-13. Review status: criteria provided, single submitter. Criteria: ICSL Variant Classification Criteria 13 December 2019. Collection method: clinical testing. Allele origin: germline.

Illumina Laboratory Services, Illumina
Classification: Uncertain significance for Early-onset myopathy with fatal cardiomyopathy. Last evaluated: 2018-01-13. Review status: criteria provided, single submitter. Criteria: ICSL Variant Classification Criteria 13 December 2019. Collection method: clinical testing. Allele origin: germline.

Illumina Laboratory Services, Illumina
Classification: Uncertain significance for Dilated cardiomyopathy 1G. Last evaluated: 2018-01-13. Review status: criteria provided, single submitter. Criteria: ICSL Variant Classification Criteria 13 December 2019. Collection method: clinical testing. Allele origin: germline.

Illumina Laboratory Services, Illumina
Classification: Benign for Myopathy, myofibrillar, 9, with early respiratory failure. Last evaluated: 2018-01-13. Review status: criteria provided, single submitter. Criteria: ICSL Variant Classification Criteria 13 December 2019. Collection method: clinical testing. Allele origin: germline.
Comment: the same text as in the submission from Illumina Laboratory Services, Illumina above.